The following is an entry in ClinVar:

NM_000702.4(ATP1A2):c.2942+5G>T

Gene: ATP1A2 (ATPase Na+/K+ transporting subunit alpha 2; plus strand). Cytogenetic location: 1q23.2.
Variant type: single nucleotide variant.
Coding change: c.2942+5G>T on transcript NM_000702.4 (MANE Select); 5 bases into the intron after coding-DNA position 2942, G replaced by T.
Molecular consequence: intron variant.
Genome position (GRCh38, 1-based): chr1:160,139,746, G>T. VCF-style: chr1-160139746-G-T. GRCh37 (hg19) VCF-style: chr1-160109536-G-T.
Identifiers: ClinVar variation 2824274 (VCV002824274.3), dbSNP rs2524898514, ClinGen allele CA2739275367.

ClinVar aggregate classification (germline): Uncertain significance (1 of 4 stars; one submission).

Conditions:
Familial hemiplegic migraine. Identifiers: MedGen C0338484, MONDO:0000700.

Submission:

Labcorp Genetics (formerly Invitae), Labcorp
Classification: Uncertain significance for Familial hemiplegic migraine. Last evaluated: 2022-12-26. Review status: criteria provided, single submitter. Criteria: Invitae Variant Classification Sherloc (09022015). Collection method: clinical testing. Allele origin: germline.
Comment: In summary, the available evidence is currently insufficient to determine the role of this variant in disease. Therefore, it has been classified as a Variant of Uncertain Significance. Variants that disrupt the consensus splice site are a relatively common cause of aberrant splicing (PMID: 17576681, 9536098). Algorithms developed to predict the effect of sequence changes on RNA splicing suggest that this variant may disrupt the consensus splice site. This variant has been observed in individual(s) with hemiplegic migraine (Invitae). This variant is not present in population databases (gnomAD no frequency). This sequence change falls in intron 21 of the ATP1A2 gene. It does not directly change the encoded amino acid sequence of the ATP1A2 protein. It affects a nucleotide within the consensus splice site.

Literature cited by the submitters: PubMed 17576681; PubMed 9536098.